The following is an entry in ClinVar:

NM_205767.3(MICOS13):c.208-3C>A

Gene: MICOS13 (mitochondrial contact site and cristae organizing system subunit 13; minus strand). Cytogenetic location: 19p13.3.
Variant type: single nucleotide variant.
Coding change: c.208-3C>A on transcript NM_205767.3 (MANE Select); 3 bases into the intron before coding-DNA position 208, C replaced by A.
Molecular consequence: intron variant.
Genome position (GRCh38, 1-based): chr19:5,679,399, G>T on the plus strand (C>A on the coding strand, the complement: MICOS13 is on the minus strand). VCF-style: chr19-5679399-G-T. GRCh37 (hg19) VCF-style: chr19-5679410-G-T.
Other names: c.274-3C>A (NM_001308240.2, NM_001365761.2).
Identifiers: ClinVar variation 2190629 (VCV002190629.5), dbSNP rs371995866, ClinGen allele CA9113258.

ClinVar aggregate classification (germline): Uncertain significance (1 of 4 stars; one submission).

Allele frequency attached by ClinVar (database versions not stated): gnomAD exomes 0.00001; ExAC 0.00008; ESP Exome Variant Server 0.00015; gnomAD 0.00015; TOPMed 0.00019; 1000 Genomes Project 0.00060; 1000 Genomes Project 30x 0.00062.

Submissions (2):

Labcorp Genetics (formerly Invitae), Labcorp
Classification: Uncertain significance. Last evaluated: 2022-07-06. Review status: criteria provided, single submitter. Criteria: Invitae Variant Classification Sherloc (09022015). Collection method: clinical testing. Allele origin: germline.
Comment: Variants that disrupt the consensus splice site are a relatively common cause of aberrant splicing (PMID: 17576681, 9536098). Algorithms developed to predict the effect of sequence changes on RNA splicing suggest that this variant is not likely to affect RNA splicing. In summary, the available evidence is currently insufficient to determine the role of this variant in disease. Therefore, it has been classified as a Variant of Uncertain Significance. This variant has not been reported in the literature in individuals affected with C19orf70-related conditions. This variant is present in population databases (rs371995866, gnomAD 0.05%). This sequence change falls in intron 2 of the C19orf70 gene. It does not directly change the encoded amino acid sequence of the C19orf70 protein. It affects a nucleotide within the consensus splice site.

Dr. Peter K. Rogan Lab, Western University
No classification provided (evidence only). Condition: Cervical cancer. Review status: no classification provided. Collection method: in vitro. Allele origin: not applicable. Functional consequence: skipped exon, retained intron. Not counted in ClinVar's aggregate classification.

Literature cited by the submitters: PubMed 17576681 (cited by Labcorp Genetics (formerly Invitae), Labcorp); PubMed 9536098 (cited by Labcorp Genetics (formerly Invitae), Labcorp).